The following is an entry in ClinVar:

NM_000158.4(GBE1):c.1334_1335insTGTGTATAAGAGACAGT (p.Gln445fs)

Gene: GBE1 (1,4-alpha-glucan branching enzyme 1; minus strand). Cytogenetic location: 3p12.2.
Variant type: Insertion.
Coding change: c.1334_1335insTGTGTATAAGAGACAGT on transcript NM_000158.4 (MANE Select); coding-DNA positions 1334 to 1335, TGTGTATAAGAGACAGT inserted.
Protein change: p.Gln445fs; shifts the reading frame from glutamine 445.
Molecular consequence: frameshift variant.
Genome position: GRCh38 VCF-style: chr3-81586092-C-CACTGTCTCTTATACACA. GRCh37 (hg19) VCF-style: chr3-81635243-C-CACTGTCTCTTATACACA.
Other names: short protein forms Q445fs.
Identifiers: ClinVar variation 5011645 (VCV005011645.1).

ClinVar aggregate classification (germline): Pathogenic (1 of 4 stars; one submission).

Conditions:
Glycogen storage disease, type IV (GSD4). Also called: AMYLOPECTINOSIS; ANDERSEN DISEASE; BRANCHER DEFICIENCY; CIRRHOSIS, FAMILIAL, WITH DEPOSITION OF ABNORMAL GLYCOGEN; GBE1 DEFICIENCY; GLYCOGEN BRANCHING ENZYME DEFICIENCY. Identifiers: Orphanet 367, MedGen C0017923, MONDO:0009292, OMIM 232500.

Submission:

Myriad Genetics, Inc.
Classification: Pathogenic for Glycogen storage disease, type IV. Last evaluated: 2023-09-11. Review status: criteria provided, single submitter. Criteria: Myriad Autosomal Dominant, Autosomal Recessive and X-Linked Classification Criteria (2023). Collection method: clinical testing. Allele origin: unknown.
Comment: NM_000158.3(GBE1):c.1334_1335ins17(Q445Hfs*22) is expected to be pathogenic in the context of glycogen storage disease, GBE1-related. This variant is predicted to lead to an abnormal or absent protein product due to the creation of a premature termination codon in GBE1, a gene where loss-of-function variants are known to be pathogenic. Please note: this variant was assessed in the context of healthy population screening.